The following is an entry in ClinVar:

NC_000015.10:g.(?_42394246)_(42394351_?)del

Gene: CAPN3 (calpain 3; plus strand). Cytogenetic location: 15q15.1.
Variant type: Deletion.
Identifiers: ClinVar variation 648523 (VCV000648523.8).

ClinVar aggregate classification (germline): Pathogenic (1 of 4 stars; one submission).

Conditions:
Autosomal recessive limb-girdle muscular dystrophy type 2A (LGMDR1). Also called: Limb-girdle muscular dystrophy, type 2A; Muscular dystrophy, limb-girdle, type 2A, Amish; LEYDEN-MOEBIUS MUSCULAR DYSTROPHY; MUSCULAR DYSTROPHY, PELVOFEMORAL; Calpainopathy. Identifiers: Orphanet 267, MedGen C1869123, MONDO:0009675, OMIM 253600. Disease mechanism: loss of function.

Submission:

Labcorp Genetics (formerly Invitae), Labcorp
Classification: Pathogenic for Autosomal recessive limb-girdle muscular dystrophy type 2A. Last evaluated: 2022-04-21. Review status: criteria provided, single submitter. Criteria: Invitae Variant Classification Sherloc (09022015). Collection method: clinical testing. Allele origin: germline.
Comment: This variant is a gross deletion of the genomic region encompassing exon(s) 8 of the CAPN3 gene. This deletion is out-of-frame, and is expected to create a premature termination codon and result in an absent or disrupted protein product. Loss-of-function variants in CAPN3 are known to be pathogenic (PMID: 10330340, 15689361). This variant has not been reported in the literature in individuals affected with CAPN3-related conditions. For these reasons, this variant has been classified as Pathogenic.

Literature cited by the submitters: PubMed 10330340; PubMed 15689361.